The following is an entry in ClinVar:

NC_000023.10:g.(?_7137717)_(7268302_?)del

Gene: STS (steroid sulfatase; plus strand). Cytogenetic location: Xp22.31.
Variant type: Deletion.
Identifiers: ClinVar variation 1452376 (VCV001452376.5).

ClinVar aggregate classification (germline): Pathogenic (1 of 4 stars; one submission).

Submission:

Labcorp Genetics (formerly Invitae), Labcorp
Classification: Pathogenic. Last evaluated: 2024-01-30. Review status: criteria provided, single submitter. Criteria: Invitae Variant Classification Sherloc (09022015). Collection method: clinical testing. Allele origin: germline.
Comment: A gross deletion of the genomic region encompassing the full coding sequence of the STS gene has been identified. Loss-of-function variants in STS are known to be pathogenic (PMID: 9242515, 10844566, 21530180, 26762237). The boundaries of this event are unknown as they extend beyond the assayed region for this gene and therefore may encompass additional genes. A similar copy number variant has been observed in individual(s) with X-linked ichthyosis (PMID: 3032454, 3480541, 8615047, 9375723, 22419362). For these reasons, this variant has been classified as Pathogenic.

Literature cited by the submitters: PubMed 9242515; PubMed 10844566; PubMed 21530180; PubMed 26762237; PubMed 3032454; PubMed 3480541; PubMed 8615047; PubMed 9375723; PubMed 22419362.